The following is an entry in ClinVar:

ClinVar aggregate classification (germline): Pathogenic (1 of 4 stars; one submission).

Conditions:
Arrhythmogenic right ventricular dysplasia 8 (ARVD8). Also called: Arrhythmogenic Right Ventricular Dysplasia/Cardiomyopathy 8; ARRHYTHMOGENIC RIGHT VENTRICULAR DYSPLASIA, FAMILIAL, 8; ARRHYTHMOGENIC RIGHT VENTRICULAR CARDIOMYOPATHY 8. Identifiers: MedGen C1843896, MONDO:0011831, OMIM 607450.
Arrhythmogenic cardiomyopathy with wooly hair and keratoderma. Also called: Arrhythmogenic cardiomyopathy with woolly hair and keratoderma; Carvajal syndrome; Dilated cardiomyopathy with woolly hair and keratoderma; PALMOPLANTAR KERATODERMA WITH LEFT VENTRICULAR CARDIOMYOPATHY AND WOOLLY HAIR. Identifiers: Orphanet 65282, MedGen C1854063, MONDO:0011581, OMIM 605676.

Submission:

Labcorp Genetics (formerly Invitae), Labcorp
Classification: Pathogenic for Arrhythmogenic cardiomyopathy with wooly hair and keratoderma; Arrhythmogenic right ventricular dysplasia 8. Last evaluated: 2025-12-29. Review status: criteria provided, single submitter. Criteria: Invitae Variant Classification Sherloc (09022015). Collection method: clinical testing. Allele origin: germline.
Comment: This sequence change inserts a large fragment of DNA, likely a transposable element, in exon 24 of the DSP gene (c.6072_6073ins?), causing a frameshift at codon 2025 (p.Pro2025fs). The exact size and sequence of the insertion cannot be determined by the current assay. However, the insertion is expected to result in an absent or disrupted protein product. While this is not anticipated to result in nonsense mediated decay, it is expected to disrupt the last 848 amino acid(s) of the DSP protein. This variant is not present in population databases (gnomAD no frequency). This variant has not been reported in the literature in individuals affected with DSP-related conditions. This variant disrupts a region of the DSP protein in which other variant(s) (p.Gln2730Serfs*16) have been determined to be pathogenic (PMID: 28527814; internal data). This suggests that this is a clinically significant region of the protein, and that variants that disrupt it are likely to be disease-causing. Retrotransposon insertions including LINE1 (L1), Alu, and SVA (SINE-VNTR-Alu) have been reported to disrupt protein function (PMID: 19763152, 20307669, 22406018). However the effect of this particular variant is unknown. For these reasons, this variant has been classified as Pathogenic.

Literature cited by the submitters: PubMed 28527814; PubMed 19763152; PubMed 20307669; PubMed 22406018.

NM_004415.4(DSP):c.6072_6073insTTTTTTTTTTTTTTTTTTTTNNNNNNNNNNCATGATCCACCCGCCTCGGCCTCCCAAAGTGCTGGGATTACAGGCGTGAGCCACCGCGCCCGGCCGCATCTGCTTCT (p.Pro2025fs)

Gene: DSP (desmoplakin; plus strand). Cytogenetic location: 6p24.3.
Variant type: Insertion.
Coding change: c.6072_6073insTTTTTTTTTTTTTTTTTTTTNNNNNNNNNNCATGATCCACCCGCCTCGGCCTCCCAAAGTGCTGGGATTACAGGCGTGAGCCACCGCGCCCGGCCGCATCTGCTTCT on transcript NM_004415.4 (MANE Select); coding-DNA positions 6072 to 6073, TTTTTTTTTTTTTTTTTTTTNNNNNNNNNNCATGATCCACCCGCCTCGGCCTCCCAAAGTGCTGGGATTACAGGCGTGAGCCACCGCGCCCGGCCGCATCTGCTTCT inserted.
Protein change: p.Pro2025fs; shifts the reading frame from proline 2025.
Molecular consequence: frameshift variant.
Genome position: GRCh38: chr6:7,583,334-7,583,335. GRCh37 (hg19): chr6:7,583,567-7,583,568.
Other names: c.4275_4276insTTTTTTTTTTTTTTTTTTTTNNNNNNNNNNCATGATCCACCCGCCTCGGCCTCCCAAAGTGCTGGGATTACAGGCGTGAGCCACCGCGCCCGGCCGCATCTGCTTCT, p.Pro1426fs (NM_001008844.3); c.4743_4744insTTTTTTTTTTTTTTTTTTTTNNNNNNNNNNCATGATCCACCCGCCTCGGCCTCCCAAAGTGCTGGGATTACAGGCGTGAGCCACCGCGCCCGGCCGCATCTGCTTCT, p.Pro1582fs (NM_001319034.2); short protein forms P1426fs, P1582fs, P2025fs.
Identifiers: ClinVar variation 2922201 (VCV002922201.3), dbSNP rs2533938996.